The following is an entry in ClinVar:

NM_017934.7(PHIP):c.4053+5G>A

Genes: IRAK1BP1 (interleukin 1 receptor associated kinase 1 binding protein 1; plus strand), PHIP (PHIP subunit of CUL4-Ring ligase complex; minus strand). Cytogenetic location: 6q14.1.
Variant type: single nucleotide variant.
Coding change: c.4053+5G>A on transcript NM_017934.7 (MANE Select); 5 bases into the intron after coding-DNA position 4053, G replaced by A.
Molecular consequence: intron variant.
Genome position (GRCh38, 1-based): chr6:78,954,809, C>T on the plus strand (G>A on the coding strand, the complement: PHIP is on the minus strand). VCF-style: chr6-78954809-C-T. GRCh37 (hg19) VCF-style: chr6-79664526-C-T.
Identifiers: ClinVar variation 5000266 (VCV005000266.1).

ClinVar aggregate classification (germline): Uncertain significance (1 of 4 stars; one submission).

Conditions:
PHIP-related disorder. Also called: PHIP-related disorders; PHIP-related condition.

Submission:

PreventionGenetics, part of Exact Sciences
Classification: Uncertain significance for PHIP-related condition. Last evaluated: 2025-03-04. Review status: criteria provided, single submitter. Criteria: ACMG Guidelines, 2015. Collection method: clinical testing. Allele origin: germline.
Comment: The PHIP c.4053+5G>A variant is predicted to interfere with splicing. This variant is predicted to impact splicing based on an available computational splicing program; however, the impact of this variant has not been functionally validated (SpliceAI, Jaganathan et al. 2019. PubMed ID: 30661751). To our knowledge, this variant has not been reported in the literature or in a large population database (gnomAD), indicating this variant is rare. At this time, the clinical significance of this variant is uncertain due to the absence of conclusive functional and genetic evidence.